The following is an entry in ClinVar:

NM_000179.3(MSH6):c.2344C>A (p.Leu782Ile)

Gene: MSH6 (mutS homolog 6; plus strand). Cytogenetic location: 2p16.3.
Variant type: single nucleotide variant.
Coding change: c.2344C>A on transcript NM_000179.3 (MANE Select); coding-DNA position 2344, C replaced by A.
Protein change: p.Leu782Ile; replaces leucine 782 with isoleucine.
Molecular consequence: missense variant.
Genome position (GRCh38, 1-based): chr2:47,800,327, C>A. VCF-style: chr2-47800327-C-A. GRCh37 (hg19) VCF-style: chr2-48027466-C-A.
Other names: c.1954C>A, p.Leu652Ile (NM_001281492.2); c.1438C>A, p.Leu480Ile (NM_001281493.2, NM_001281494.2); short protein forms L480I, L652I, L782I.
Identifiers: ClinVar variation 954482 (VCV000954482.10), dbSNP rs1553413714, ClinGen allele CA346753464.

ClinVar aggregate classification (germline): Uncertain significance (1 of 4 stars; one submission).

Conditions:
Hereditary nonpolyposis colorectal neoplasms. Identifiers: MedGen C0009405, MeSH D003123.

Submission:

Labcorp Genetics (formerly Invitae), Labcorp
Classification: Uncertain significance for Hereditary nonpolyposis colorectal neoplasms. Last evaluated: 2019-09-08. Review status: criteria provided, single submitter. Criteria: Invitae Variant Classification Sherloc (09022015). Collection method: clinical testing. Allele origin: germline.
Comment: Algorithms developed to predict the effect of missense changes on protein structure and function are either unavailable or do not agree on the potential impact of this missense change (SIFT: "Tolerated"; PolyPhen-2: "Probably Damaging"; Align-GVGD: "Class C0"). In summary, the available evidence is currently insufficient to determine the role of this variant in disease. Therefore, it has been classified as a Variant of Uncertain Significance. This sequence change replaces leucine with isoleucine at codon 782 of the MSH6 protein (p.Leu782Ile). The leucine residue is highly conserved and there is a small physicochemical difference between leucine and isoleucine. This variant is not present in population databases (ExAC no frequency). This variant has not been reported in the literature in individuals with MSH6-related conditions.